The following is an entry in ClinVar:

ClinVar aggregate classification (germline): Uncertain significance. Review status: criteria provided, multiple submitters, no conflicts (2 of 4 stars). 4 submissions from 4 submitters: Uncertain significance (4). Last evaluated 2024-08-06.

Conditions:
Inborn genetic diseases. Identifiers: MedGen C0950123, MeSH D030342.

Allele frequency attached by ClinVar (database versions not stated): gnomAD exomes below 0.00001; gnomAD 0.00002; TOPMed 0.00002.
gnomAD v4.1: 10 of 1,614,028 alleles (0.00062%); highest among the groups gnomAD compares: Non-Finnish European, 0.00085%; no homozygotes.

Submissions (4):

GeneDx
Classification: Uncertain significance. Last evaluated: 2024-08-06. Review status: criteria provided, single submitter. Criteria: GeneDx Variant Classification Process June 2021. Collection method: clinical testing. Allele origin: germline. Affected: yes.
Comment: Not observed at significant frequency in large population cohorts (gnomAD); In silico analysis supports that this missense variant has a deleterious effect on protein structure/function; Has not been previously published as pathogenic or benign to our knowledge

Ambry Genetics
Classification: Uncertain significance for Inborn genetic diseases. Last evaluated: 2023-07-12. Review status: criteria provided, single submitter. Criteria: Ambry Variant Classification Scheme 2023. Collection method: clinical testing. Allele origin: germline.

Mayo Clinic Laboratories, Mayo Clinic
Classification: Uncertain significance. Last evaluated: 2022-06-23. Review status: criteria provided, single submitter. Criteria: ACMG Guidelines, 2015. Collection method: clinical testing. Allele origin: germline. Observed: 1 variant allele.
Comment: PP3

Labcorp Genetics (formerly Invitae), Labcorp
Classification: Uncertain significance. Last evaluated: 2021-12-03. Review status: criteria provided, single submitter. Criteria: Invitae Variant Classification Sherloc (09022015). Collection method: clinical testing. Allele origin: germline.
Comment: This sequence change replaces arginine with glutamine at codon 153 of the COX15 protein (p.Arg153Gln). The arginine residue is highly conserved and there is a small physicochemical difference between arginine and glutamine. This variant is present in population databases (no rsID available, gnomAD 0.0009%). This variant has not been reported in the literature in individuals affected with COX15-related conditions. Algorithms developed to predict the effect of missense changes on protein structure and function are either unavailable or do not agree on the potential impact of this missense change (SIFT: "Not Available"; PolyPhen-2: "Probably Damaging"; Align-GVGD: "Not Available"). In summary, the available evidence is currently insufficient to determine the role of this variant in disease. Therefore, it has been classified as a Variant of Uncertain Significance.

NM_078470.6(COX15):c.458G>A (p.Arg153Gln)

Gene: COX15 (cytochrome c oxidase assembly homolog COX15; minus strand). Cytogenetic location: 10q24.2.
Variant type: single nucleotide variant.
Coding change: c.458G>A on transcript NM_078470.6 (MANE Select); coding-DNA position 458, G replaced by A.
Protein change: p.Arg153Gln; replaces arginine 153 with glutamine.
Molecular consequence: missense variant. On other transcripts: intron variant (1).
Genome position (GRCh38, 1-based): chr10:99,727,092, C>T on the plus strand (G>A on the coding strand, the complement: COX15 is on the minus strand). VCF-style: chr10-99727092-C-T. GRCh37 (hg19) VCF-style: chr10-101486849-C-T.
Other names: p.Arg153Gln; c.458G>A, p.Arg153Gln (NM_001320974.2, NM_001320975.2, NM_001372024.1 and 5 more transcripts); c.-59-21G>A (NM_001320976.2); c.458G>A (NM_004376.5); short protein forms R153Q.
Identifiers: ClinVar variation 1430624 (VCV001430624.6), dbSNP rs1462019991, ClinGen allele CA378087904.
Genomic context (GRCh38, chr10:99,727,092, plus strand): 5'-TTTCTCCAAAAGTAGGCAGCAGGCAGGATGTACACAAGGCCTACAAGGCGACCCCACATT[C>T]GGTGTGAGTACTCCATGTACCAGATGAACTTGAATTCTGTCAGTGTCATATCATGATTCA-3'
Protein context (NP_510870.1, residues 143-163): KFIWYMEYSH[Arg153Gln]MWGRLVGLVY